The following is an entry in ClinVar:

ClinVar aggregate classification (germline): Uncertain significance. Review status: criteria provided, multiple submitters, no conflicts (2 of 4 stars). 2 submissions from 2 submitters: Uncertain significance (2). Last evaluated 2025-06-16.

gnomAD v4.1: 5 of 1,613,198 alleles (0.00031%); highest among the groups gnomAD compares: African/African-American, 0.0067%; no homozygotes.

Submissions (2):

Ambry Genetics
Classification: Uncertain significance. Last evaluated: 2025-06-16. Review status: criteria provided, single submitter. Criteria: Ambry Variant Classification Scheme 2023. Collection method: clinical testing. Allele origin: germline.

Labcorp Genetics (formerly Invitae), Labcorp
Classification: Uncertain significance. Last evaluated: 2024-07-24. Review status: criteria provided, single submitter. Criteria: Invitae Variant Classification Sherloc (09022015). Collection method: clinical testing. Allele origin: germline.
Comment: This sequence change replaces proline, which is neutral and non-polar, with arginine, which is basic and polar, at codon 952 of the EGF protein (p.Pro952Arg). This variant is not present in population databases (gnomAD no frequency). This variant has not been reported in the literature in individuals affected with EGF-related conditions. An algorithm developed to predict the effect of missense changes on protein structure and function (PolyPhen-2) suggests that this variant is likely to be tolerated. In summary, the available evidence is currently insufficient to determine the role of this variant in disease. Therefore, it has been classified as a Variant of Uncertain Significance.

NM_001963.6(EGF):c.2855C>G (p.Pro952Arg)

Gene: EGF (epidermal growth factor; plus strand). Cytogenetic location: 4q25.
Variant type: single nucleotide variant.
Coding change: c.2855C>G on transcript NM_001963.6 (MANE Select); coding-DNA position 2855, C replaced by G.
Protein change: p.Pro952Arg; replaces proline 952 with arginine.
Molecular consequence: missense variant. On other transcripts: intron variant (1).
Genome position (GRCh38, 1-based): chr4:109,993,367, C>G. VCF-style: chr4-109993367-C-G. GRCh37 (hg19) VCF-style: chr4-110914523-C-G.
Other names: c.2486C>G, p.Pro829Arg (NM_001357021.2); c.2735-1366C>G (NM_001178130.3); c.2729C>G, p.Pro910Arg (NM_001178131.3); c.2855C>G (NM_001963.4); short protein forms P910R, P829R, P952R.
Identifiers: ClinVar variation 3694186 (VCV003694186.3).